The following is an entry in ClinVar:

ClinVar aggregate classification (germline): Uncertain significance (1 of 4 stars; one submission).

Allele frequency attached by ClinVar (database versions not stated): gnomAD exomes below 0.00001; TOPMed below 0.00001; gnomAD 0.00001.
gnomAD v4.1: 2 of 1,606,922 alleles (0.00012%); highest among the groups gnomAD compares: Non-Finnish European, 0.00017%; no homozygotes.

Submission:

Labcorp Genetics (formerly Invitae), Labcorp
Classification: Uncertain significance. Last evaluated: 2024-01-11. Review status: criteria provided, single submitter. Criteria: Invitae Variant Classification Sherloc (09022015). Collection method: clinical testing. Allele origin: germline.
Comment: This sequence change affects codon 3446 of the VPS13C mRNA. It is a 'silent' change, meaning that it does not change the encoded amino acid sequence of the VPS13C protein. This variant also falls at the last nucleotide of exon 76, which is part of the consensus splice site for this exon. This variant is not present in population databases (gnomAD no frequency). This variant has not been reported in the literature in individuals affected with VPS13C-related conditions. Variants that disrupt the consensus splice site are a relatively common cause of aberrant splicing (PMID: 17576681, 9536098). Algorithms developed to predict the effect of sequence changes on RNA splicing suggest that this variant may disrupt the consensus splice site. In summary, the available evidence is currently insufficient to determine the role of this variant in disease. Therefore, it has been classified as a Variant of Uncertain Significance.

Literature cited by the submitters: PubMed 17576681; PubMed 9536098.

NM_020821.3(VPS13C):c.10338G>A (p.Gln3446=)

Gene: VPS13C (vacuolar protein sorting 13 homolog C; minus strand). Cytogenetic location: 15q22.2.
Variant type: single nucleotide variant.
Coding change: c.10338G>A on transcript NM_020821.3 (MANE Select); coding-DNA position 10338, G replaced by A.
Protein change: p.Gln3446=; no amino-acid change (glutamine 3446 retained).
Molecular consequence: synonymous variant.
Genome position (GRCh38, 1-based): chr15:61,875,732, C>T on the plus strand (G>A on the coding strand, the complement: VPS13C is on the minus strand). VCF-style: chr15-61875732-C-T. GRCh37 (hg19) VCF-style: chr15-62167931-C-T.
Other names: c.10338G>A, p.Gln3446= (NM_001018088.3); c.10209G>A, p.Gln3403= (NM_017684.5, NM_018080.4).
Identifiers: ClinVar variation 2799457 (VCV002799457.3), dbSNP rs1895371279, ClinGen allele CA490643152.